The following is an entry in ClinVar:

NM_001330078.2(NRXN1):c.4107G>A (p.Pro1369=)

Gene: NRXN1 (neurexin 1; minus strand). Cytogenetic location: 2p16.3.
Variant type: single nucleotide variant.
Coding change: c.4107G>A on transcript NM_001330078.2 (MANE Select); coding-DNA position 4107, G replaced by A.
Protein change: p.Pro1369=; no amino-acid change (proline 1369 retained).
Molecular consequence: synonymous variant.
Genome position (GRCh38, 1-based): chr2:50,053,292, C>T on the plus strand (G>A on the coding strand, the complement: NRXN1 is on the minus strand). VCF-style: chr2-50053292-C-T. GRCh37 (hg19) VCF-style: chr2-50280430-C-T.
Other names: c.4227G>A, p.Pro1409= (NM_001135659.3); c.4083G>A, p.Pro1361= (NM_001330077.2, NM_001330082.2); c.3951G>A, p.Pro1317= (NM_001330083.2); c.4041G>A, p.Pro1347= (NM_001330084.2); c.4080G>A, p.Pro1360= (NM_001330085.2); c.4107G>A, p.Pro1369= (NM_001330086.2); c.3906G>A, p.Pro1302= (NM_001330087.2, NM_001330096.2); c.3936G>A, p.Pro1312= (NM_001330088.2); and 6 more.
Identifiers: ClinVar variation 383233 (VCV000383233.15), dbSNP rs183440866, ClinGen allele CA1654303.
Genomic context (GRCh38, chr2:50,053,292, plus strand): 5'-TATAGGATGAAAATGAAGGAATAAAATCCACAGGCTCACCTGGCTAATGGGTTCTTTTGT[C>T]GGGGGCTTTCCTCTTCTGGCTGTGCTAGTAGCCAGGGTCGTGGTAGTCTCCATAATTGAT-3'
Protein context (NP_001317007.1, residues 1359-1379): ATSTARRGKP[Pro1369=]TKEPISQTTD

ClinVar aggregate classification (germline): Likely benign. Review status: criteria provided, multiple submitters, no conflicts (2 of 4 stars). 2 submissions from 2 submitters: Likely benign (2). Last evaluated 2026-01-13.

Conditions:
Pitt-Hopkins-like syndrome 2 (PTHSL2). Identifiers: Orphanet 221150, Orphanet 600663, MedGen C3280479, MONDO:0013690, OMIM 614325.

Allele frequency attached by ClinVar (database versions not stated): ExAC 0.00006; gnomAD exomes 0.00006 and 0.00009; ESP Exome Variant Server 0.00015; 1000 Genomes Project 30x 0.00031; TOPMed 0.00034; gnomAD 0.00036 and 0.00038; 1000 Genomes Project 0.00040.
gnomAD v4.1: 139 of 1,613,900 alleles (0.0086%); highest among the groups gnomAD compares: African/African-American, 0.15%; no homozygotes.

Submissions (2):

Labcorp Genetics (formerly Invitae), Labcorp
Classification: Likely benign for Pitt-Hopkins-like syndrome 2. Last evaluated: 2026-01-13. Review status: criteria provided, single submitter. Criteria: Invitae Variant Classification Sherloc (09022015). Collection method: clinical testing. Allele origin: germline.

GeneDx
Classification: Likely benign. Last evaluated: 2021-05-11. Review status: criteria provided, single submitter. Criteria: GeneDx Variant Classification Process June 2021. Collection method: clinical testing. Allele origin: germline. Affected: yes.
Comment: This variant is associated with the following publications: (PMID: 24429703)